The following is an entry in ClinVar:

NM_014989.7(RIMS1):c.1626G>C (p.Glu542Asp)

Genes: RIMS1 (regulating synaptic membrane exocytosis 1; plus strand), LOC129996709 (ATAC-STARR-seq lymphoblastoid active region 24736; plus strand). Cytogenetic location: 6q13.
Variant type: single nucleotide variant.
Coding change: c.1626G>C on transcript NM_014989.7 (MANE Select); coding-DNA position 1626, G replaced by C.
Protein change: p.Glu542Asp; replaces glutamic acid 542 with aspartic acid.
Molecular consequence: missense variant.
Genome position (GRCh38, 1-based): chr6:72,183,097, G>C. VCF-style: chr6-72183097-G-C. GRCh37 (hg19) VCF-style: chr6-72892800-G-C.
Other names: short protein forms E542D.
Identifiers: ClinVar variation 3627311 (VCV003627311.2).

ClinVar aggregate classification (germline): Uncertain significance (1 of 4 stars; one submission).

gnomAD v4.1: 4 of 1,591,940 alleles (0.00025%); highest among the groups gnomAD compares: Non-Finnish European, 0.00034%; no homozygotes.

Submission:

Labcorp Genetics (formerly Invitae), Labcorp
Classification: Uncertain significance. Last evaluated: 2024-05-13. Review status: criteria provided, single submitter. Criteria: Invitae Variant Classification Sherloc (09022015). Collection method: clinical testing. Allele origin: germline.
Comment: This sequence change replaces glutamic acid, which is acidic and polar, with aspartic acid, which is acidic and polar, at codon 542 of the RIMS1 protein (p.Glu542Asp). This variant is present in population databases (no rsID available, gnomAD 0.001%). This variant has not been reported in the literature in individuals affected with RIMS1-related conditions. An algorithm developed to predict the effect of missense changes on protein structure and function (PolyPhen-2) suggests that this variant is likely to be tolerated. In summary, the available evidence is currently insufficient to determine the role of this variant in disease. Therefore, it has been classified as a Variant of Uncertain Significance.